The following is an entry in ClinVar:

ClinVar aggregate classification (germline): Uncertain significance. Review status: criteria provided, multiple submitters, no conflicts (2 of 4 stars). 2 submissions from 2 submitters: Uncertain significance (2). Last evaluated 2024-12-01.

Conditions:
Hereditary cancer-predisposing syndrome. Also called: Neoplastic Syndromes, Hereditary; Tumor predisposition; Hereditary Cancer Syndrome; Hereditary neoplastic syndrome. Identifiers: Orphanet 140162, MedGen C0027672, MeSH D009386, MONDO:0015356.
Oligodontia-cancer predisposition syndrome. Also called: TOOTH AGENESIS-COLORECTAL CANCER SYNDROME. Identifiers: Orphanet 300576, MedGen C1837750, MONDO:0012075, OMIM 608615. Disease mechanism: loss of function.

Submissions (2):

Ambry Genetics
Classification: Uncertain significance for Hereditary cancer-predisposing syndrome. Last evaluated: 2024-12-01. Review status: criteria provided, single submitter. Criteria: Ambry Variant Classification Scheme 2023. Collection method: clinical testing. Allele origin: germline.
Comment: The p.V7A variant (also known as c.20T>C), located in coding exon 1 of the AXIN2 gene, results from a T to C substitution at nucleotide position 20. The valine at codon 7 is replaced by alanine, an amino acid with similar properties. This amino acid position is conserved. In addition, this alteration is predicted to be tolerated by in silico analysis. Since supporting evidence is limited at this time, the clinical significance of this alteration remains unclear.

Labcorp Genetics (formerly Invitae), Labcorp
Classification: Uncertain significance for Oligodontia-cancer predisposition syndrome. Last evaluated: 2024-05-15. Review status: criteria provided, single submitter. Criteria: Invitae Variant Classification Sherloc (09022015). Collection method: clinical testing. Allele origin: germline.
Comment: This sequence change replaces valine, which is neutral and non-polar, with alanine, which is neutral and non-polar, at codon 7 of the AXIN2 protein (p.Val7Ala). This variant is not present in population databases (gnomAD no frequency). This variant has not been reported in the literature in individuals affected with AXIN2-related conditions. ClinVar contains an entry for this variant (Variation ID: 1785895). An algorithm developed to predict the effect of missense changes on protein structure and function (PolyPhen-2) suggests that this variant is likely to be tolerated. In summary, the available evidence is currently insufficient to determine the role of this variant in disease. Therefore, it has been classified as a Variant of Uncertain Significance.

NM_004655.4(AXIN2):c.20T>C (p.Val7Ala)

Gene: AXIN2 (axin 2; minus strand). Cytogenetic location: 17q24.1.
Variant type: single nucleotide variant.
Coding change: c.20T>C on transcript NM_004655.4 (MANE Select); coding-DNA position 20, T replaced by C.
Protein change: p.Val7Ala; replaces valine 7 with alanine.
Molecular consequence: missense variant.
Genome position (GRCh38, 1-based): chr17:65,558,601, A>G on the plus strand (T>C on the coding strand, the complement: AXIN2 is on the minus strand). VCF-style: chr17-65558601-A-G. GRCh37 (hg19) VCF-style: chr17-63554719-A-G.
Other names: c.20T>C, p.Val7Ala (NM_001363813.1); short protein forms V7A.
Identifiers: ClinVar variation 1785895 (VCV001785895.6), dbSNP rs2544256287, ClinGen allele CA400682471.